The following is an entry in ClinVar:

ClinVar aggregate classification (germline): Uncertain significance. Review status: criteria provided, multiple submitters, no conflicts (2 of 4 stars). 3 submissions from 3 submitters: Uncertain significance (3). Last evaluated 2024-09-25.

Conditions:
Inborn genetic diseases. Identifiers: MedGen C0950123, MeSH D030342.
Thyroid dyshormonogenesis 6 (TDH6). Also called: THYROID HORMONOGENESIS, GENETIC DEFECT IN, 6; HYPOTHYROIDISM, CONGENITAL, DUE TO DYSHORMONOGENESIS, 6; Genetic transient congenital hypothyroidism. Identifiers: Orphanet 226316, Orphanet 95716, MedGen C1846632, MONDO:0011792, OMIM 607200.

Allele frequency attached by ClinVar (database versions not stated): gnomAD 0.00002; TOPMed 0.00003; gnomAD exomes 0.00007; ExAC 0.00012; ESP Exome Variant Server 0.00015.

Submissions (3):

Ambry Genetics
Classification: Uncertain significance for Inborn genetic diseases. Last evaluated: 2024-09-25. Review status: criteria provided, single submitter. Criteria: Ambry Variant Classification Scheme 2023. Collection method: clinical testing. Allele origin: germline.

Labcorp Genetics (formerly Invitae), Labcorp
Classification: Uncertain significance. Last evaluated: 2024-07-13. Review status: criteria provided, single submitter. Criteria: Invitae Variant Classification Sherloc (09022015). Collection method: clinical testing. Allele origin: germline.
Comment: This sequence change replaces arginine, which is basic and polar, with histidine, which is basic and polar, at codon 317 of the DUOX2 protein (p.Arg317His). This variant is present in population databases (rs142354994, gnomAD 0.01%). This variant has not been reported in the literature in individuals affected with DUOX2-related conditions. ClinVar contains an entry for this variant (Variation ID: 2078979). Advanced modeling of protein sequence and biophysical properties (such as structural, functional, and spatial information, amino acid conservation, physicochemical variation, residue mobility, and thermodynamic stability) performed at Invitae indicates that this missense variant is not expected to disrupt DUOX2 protein function with a negative predictive value of 80%. In summary, the available evidence is currently insufficient to determine the role of this variant in disease. Therefore, it has been classified as a Variant of Uncertain Significance.

Revvity Omics, Revvity
Classification: Uncertain significance for Thyroid dyshormonogenesis 6. Last evaluated: 2023-11-02. Review status: criteria provided, single submitter. Criteria: ACMG Guidelines, 2015. Collection method: clinical testing. Allele origin: germline.

NM_001363711.2(DUOX2):c.950G>A (p.Arg317His)

Gene: DUOX2 (dual oxidase 2; minus strand). Cytogenetic location: 15q21.1.
Variant type: single nucleotide variant.
Coding change: c.950G>A on transcript NM_001363711.2 (MANE Select); coding-DNA position 950, G replaced by A.
Protein change: p.Arg317His; replaces arginine 317 with histidine.
Molecular consequence: missense variant.
Genome position (GRCh38, 1-based): chr15:45,110,518, C>T on the plus strand (G>A on the coding strand, the complement: DUOX2 is on the minus strand). VCF-style: chr15-45110518-C-T. GRCh37 (hg19) VCF-style: chr15-45402716-C-T.
Other names: c.950G>A, p.Arg317His (NM_014080.5); c.950G>A (NM_014080.4); short protein forms R317H.
Identifiers: ClinVar variation 2078979 (VCV002078979.5), dbSNP rs142354994, ClinGen allele CA7538803.
Genomic context (GRCh38, chr15:45,110,518, plus strand): 5'-GAGAAGAACTGCTCAGAGGCCACCACAAATTCCGGGGAGATGCTGGGGTCTAGGAAAGGA[C>T]GGTATCCTGCAGGAAGGAGACGGTGATGATGGGGAGACAGGCTTCTTGCCTCCACATCCT-3'
Protein context (NP_001350640.1, residues 307-327): QKTLPEYTGY[Arg317His]PFLDPSISPE